The following is an entry in ClinVar:

NM_012233.3(RAB3GAP1):c.630_631insC (p.Ile211fs)

Gene: RAB3GAP1 (RAB3 GTPase activating protein catalytic subunit 1; plus strand). Cytogenetic location: 2q21.3.
Variant type: Insertion.
Coding change: c.630_631insC on transcript NM_012233.3 (MANE Select); coding-DNA positions 630 to 631, C inserted.
Protein change: p.Ile211fs; shifts the reading frame from isoleucine 211.
Molecular consequence: frameshift variant.
Genome position: GRCh38 VCF-style: chr2-135115363-T-TC. GRCh37 (hg19) VCF-style: chr2-135872933-T-TC.
Other names: c.630_631insC, p.Ile211fs (NM_001172435.2); short protein forms I211fs.
Identifiers: ClinVar variation 420527 (VCV000420527.9), dbSNP rs1064794536, ClinGen allele CA16617230.

ClinVar aggregate classification (germline): Pathogenic/Likely pathogenic. Review status: criteria provided, multiple submitters, no conflicts (2 of 4 stars). 3 submissions from 3 submitters: Pathogenic (2); Likely pathogenic (1). Last evaluated 2023-06-06.

Conditions:
Warburg micro syndrome 1 (WARBM1). Identifiers: Orphanet 2510, MedGen C1838625, MONDO:0010822, OMIM 600118.
RAB3GAP1-related disorder. Also called: RAB3GAP1-related disorders; RAB3GAP1-related condition.

Allele frequency attached by ClinVar (database versions not stated): gnomAD exomes below 0.00001 and 0.00002; TOPMed below 0.00001.

Submissions (3):

PreventionGenetics, part of Exact Sciences
Classification: Likely pathogenic for RAB3GAP1-related condition. Last evaluated: 2023-06-06. Review status: criteria provided, single submitter. Criteria: ACMG Guidelines, 2015. Collection method: clinical testing. Allele origin: germline.
Comment: The RAB3GAP1 c.630_631insC variant is predicted to result in a frameshift and premature protein termination (p.Ile211Hisfs*17). To our knowledge, this variant has not been reported in the literature. This variant is reported in 0.00088% of alleles in individuals of European (Non-Finnish) descent in gnomAD. Frameshift variants in RAB3GAP1 are expected to be pathogenic. Therefore we interpret this variant as likely pathogenic.

GeneDx
Classification: Pathogenic. Last evaluated: 2022-06-03. Review status: criteria provided, single submitter. Criteria: GeneDx Variant Classification Process June 2021. Collection method: clinical testing. Allele origin: germline. Affected: yes.
Comment: Frameshift variant predicted to result in protein truncation or nonsense mediated decay in a gene for which loss of function is a known mechanism of disease; Not observed at significant frequency in large population cohorts (gnomAD); Has not been previously published as pathogenic or benign to our knowledge

Genetic Services Laboratory, University of Chicago
Classification: Pathogenic for Warburg micro syndrome 1. Last evaluated: 2015-10-22. Review status: criteria provided, single submitter. Criteria: ACMG Guidelines, 2015. Collection method: clinical testing. Allele origin: germline. Affected: yes.